The following is an entry in ClinVar:

NM_007254.4(PNKP):c.275C>T (p.Thr92Ile)

Gene: PNKP (polynucleotide kinase 3'-phosphatase; minus strand). Cytogenetic location: 19q13.33.
Variant type: single nucleotide variant.
Coding change: c.275C>T on transcript NM_007254.4 (MANE Select); coding-DNA position 275, C replaced by T.
Protein change: p.Thr92Ile; replaces threonine 92 with isoleucine.
Molecular consequence: missense variant.
Genome position (GRCh38, 1-based): chr19:49,865,350, G>A on the plus strand (C>T on the coding strand, the complement: PNKP is on the minus strand). VCF-style: chr19-49865350-G-A. GRCh37 (hg19) VCF-style: chr19-50368607-G-A.
Other names: short protein forms T92I.
Identifiers: ClinVar variation 206383 (VCV000206383.8), dbSNP rs780440711, ClinGen allele CA316446.
Genomic context (GRCh38, chr19:49,865,350, plus strand): 5'-GGTGTGCGGGTCTCTTCCCAGCGCAGGGTCAGTGGGTGGAGGCCATTGACCAAATACAGT[G>A]TGTCCCCCACCCCCAGAGAGCCCTCCAACCCCGGCTTCAACTCCTGGGTCCCGGTAGTTG-3'
Protein context (NP_009185.2, residues 82-102): GLEGSLGVGD[Thr92Ile]LYLVNGLHPL

ClinVar aggregate classification (germline): Uncertain significance. Review status: criteria provided, multiple submitters, no conflicts (2 of 4 stars). 2 submissions from 2 submitters: Uncertain significance (2). Last evaluated 2025-09-08.

Conditions:
Developmental and epileptic encephalopathy, 12 (DEE12). Identifiers: MedGen C3150988, MONDO:0013389, OMIM 613722.
Inborn genetic diseases. Identifiers: MedGen C0950123, MeSH D030342.

Allele frequency attached by ClinVar (database versions not stated): gnomAD exomes 0.00001 and 0.00002; TOPMed 0.00002; gnomAD 0.00004.
gnomAD v4.1: 24 of 1,613,576 alleles (0.0015%); highest among the groups gnomAD compares: Middle Eastern, 0.017%; no homozygotes.

Submissions (2):

Labcorp Genetics (formerly Invitae), Labcorp
Classification: Uncertain significance for Developmental and epileptic encephalopathy, 12. Last evaluated: 2025-09-08. Review status: criteria provided, single submitter. Criteria: Invitae Variant Classification Sherloc (09022015). Collection method: clinical testing. Allele origin: germline.
Comment: This sequence change replaces threonine, which is neutral and polar, with isoleucine, which is neutral and non-polar, at codon 92 of the PNKP protein (p.Thr92Ile). This variant is present in population databases (rs780440711, gnomAD 0.006%). This variant has not been reported in the literature in individuals affected with PNKP-related conditions. ClinVar contains an entry for this variant (Variation ID: 206383). An algorithm developed to predict the effect of missense changes on protein structure and function (PolyPhen-2) suggests that this variant is likely to be tolerated. In summary, the available evidence is currently insufficient to determine the role of this variant in disease. Therefore, it has been classified as a Variant of Uncertain Significance.

Ambry Genetics
Classification: Uncertain significance for Inborn genetic diseases. Last evaluated: 2021-07-28. Review status: criteria provided, single submitter. Criteria: Ambry Variant Classification Scheme 2023. Collection method: clinical testing. Allele origin: germline.